The following is an entry in ClinVar:

NM_000382.3(ALDH3A2):c.554G>C (p.Gly185Ala)

Gene: ALDH3A2 (aldehyde dehydrogenase 3 family member A2; plus strand). Cytogenetic location: 17p11.2.
Variant type: single nucleotide variant.
Coding change: c.554G>C on transcript NM_000382.3 (MANE Select); coding-DNA position 554, G replaced by C.
Protein change: p.Gly185Ala; replaces glycine 185 with alanine.
Molecular consequence: missense variant. On other transcripts: 5 prime UTR variant (1).
Genome position (GRCh38, 1-based): chr17:19,656,448, G>C. VCF-style: chr17-19656448-G-C. GRCh37 (hg19) VCF-style: chr17-19559761-G-C.
Other names: c.554G>C, p.Gly185Ala (NM_001031806.2, NM_001369136.1, NM_001369137.2 and 3 more transcripts); c.-26G>C (NM_001369148.2); short protein forms G185A.
Identifiers: ClinVar variation 2137940 (VCV002137940.4), dbSNP rs72547563, ClinGen allele CA288544284.

ClinVar aggregate classification (germline): Likely pathogenic (1 of 4 stars; one submission).

Allele frequency attached by ClinVar (database versions not stated): TOPMed below 0.00001.
gnomAD v4.1: 2 of 1,614,060 alleles (0.00012%); highest among the groups gnomAD compares: Non-Finnish European, 0.00017%; no homozygotes.

Submission:

Labcorp Genetics (formerly Invitae), Labcorp
Classification: Likely pathogenic. Last evaluated: 2023-05-22. Review status: criteria provided, single submitter. Criteria: Invitae Variant Classification Sherloc (09022015). Collection method: clinical testing. Allele origin: germline.
Comment: This sequence change replaces glycine, which is neutral and non-polar, with alanine, which is neutral and non-polar, at codon 185 of the ALDH3A2 protein (p.Gly185Ala). This variant is not present in population databases (gnomAD no frequency). In summary, the currently available evidence indicates that the variant is pathogenic, but additional data are needed to prove that conclusively. Therefore, this variant has been classified as Likely Pathogenic. This variant disrupts the p.Gly185 amino acid residue in ALDH3A2. Other variant(s) that disrupt this residue have been determined to be pathogenic (Invitae). This suggests that this residue is clinically significant, and that variants that disrupt this residue are likely to be disease-causing. Experimental studies have shown that this missense change affects ALDH3A2 function (PMID: 10577908). Advanced modeling of protein sequence and biophysical properties (such as structural, functional, and spatial information, amino acid conservation, physicochemical variation, residue mobility, and thermodynamic stability) performed at Invitae indicates that this missense variant is expected to disrupt ALDH3A2 protein function. ClinVar contains an entry for this variant (Variation ID: 2137940). This missense change has been observed in individual(s) with Sjogren-Larsson syndrome (PMID: 32506993).

Literature cited by the submitters: PubMed 10577908; PubMed 32506993.